The following is an entry in ClinVar:

ClinVar aggregate classification (germline): Benign (1 of 4 stars; one submission).

Conditions:
Familial cancer of breast. Also called: hereditary breast carcinoma; Hereditary breast cancer; BREAST CANCER, FAMILIAL. Identifiers: Orphanet 227535, MedGen C0346153, MONDO:0016419, OMIM 114480. Disease mechanism: loss of function.

Submission:

Myriad Genetics, Inc.
Classification: Benign for Familial cancer of breast. Last evaluated: 2024-07-29. Review status: criteria provided, single submitter. Criteria: Myriad Autosomal Dominant, Autosomal Recessive and X-Linked Classification Criteria (2023). Collection method: clinical testing. Allele origin: unknown.
Comment: This variant is considered benign. The valine to methionine change at amino acid 507 has been observed at a population frequency that is significantly greater than expected given the associated disease prevalence and penetrance.

NM_000465.4(BARD1):c.1515_1519delinsTCACA (p.Val507Met)

Gene: BARD1 (BRCA1 associated RING domain 1; minus strand). Cytogenetic location: 2q35.
Variant type: Indel.
Coding change: c.1515_1519delinsTCACA on transcript NM_000465.4 (MANE Select); coding-DNA positions 1515 to 1519, GCATG replaced by TCACA.
Protein change: p.Val507Met; replaces valine 507 with methionine.
Molecular consequence: missense variant. On other transcripts: non-coding transcript variant (3), intron variant (3).
Genome position (GRCh38, 1-based): chr2:214,767,531-214,767,535, CATGC replaced by TGTGA on the plus strand (GCATG replaced by TCACA on the coding strand, the reverse complement: BARD1 is on the minus strand). VCF-style: chr2-214767531-CATGC-TGTGA. GRCh37 (hg19) VCF-style: chr2-215632255-CATGC-TGTGA.
Other names: c.1458_1462delinsTCACA, p.Val488Met (NM_001282543.2); c.159-14980_159-14976delinsTCACA (NM_001282548.2); c.216-14980_216-14976delinsTCACA (NM_001282545.2); c.364+24762_364+24766delinsTCACA (NM_001282549.2); short protein forms V488M, V507M.
Identifiers: ClinVar variation 3378913 (VCV003378913.1).
Genomic context (GRCh38, chr2:214,767,531, plus strand): 5'-GAACTACTTACACAGCATTTCTGGAGGCTCCATAGGAAAGTAACAGCTTGACTATATCCA[CATGC>TGTGA]CCATTCTTGGCTGCATCGTGAAGTGGTGAGTCATTTTGATACCCGGTGGTGTTCACCAAT-3'
Protein context (NP_000456.2, residues 497-517): PLHDAAKNGH[Val507Met]DIVKLLLSYG